The following is an entry in ClinVar:

NM_003742.4(ABCB11):c.3084A>G (p.Ala1028=)

Gene: ABCB11 (ATP binding cassette subfamily B member 11; minus strand). Cytogenetic location: 2q31.1.
Variant type: single nucleotide variant.
Coding change: c.3084A>G on transcript NM_003742.4 (MANE Select); coding-DNA position 3084, A replaced by G.
Protein change: p.Ala1028=; no amino-acid change (alanine 1028 retained).
Molecular consequence: synonymous variant.
Genome position (GRCh38, 1-based): chr2:168,932,506, T>C on the plus strand (A>G on the coding strand, the complement: ABCB11 is on the minus strand). VCF-style: chr2-168932506-T-C. GRCh37 (hg19) VCF-style: chr2-169789016-T-C.
Other names: p.Ala1028=; c.3084A>G, p.Ala1028= (LRG_1199t1).
Identifiers: ClinVar variation 259152 (VCV000259152.30), dbSNP rs497692, ClinGen allele CA1951104.

ClinVar aggregate classification (germline): Benign. Review status: criteria provided, multiple submitters, no conflicts (2 of 4 stars). 14 submissions from 13 submitters: Benign (11). 3 of the submissions do not count toward it. Last evaluated 2026-04-14.

Conditions:
Progressive familial intrahepatic cholestasis type 2. Identifiers: Orphanet 79304, MedGen C3489789, MONDO:0011156, OMIM 601847.
Benign recurrent intrahepatic cholestasis type 2 (BRIC2). Also called: Recurrent familial intrahepatic cholestasis 2. Identifiers: Orphanet 65682, Orphanet 99961, MedGen C2608083, MONDO:0011559, OMIM 605479.
Familial intrahepatic cholestasis. Identifiers: Orphanet 284385, MedGen CN296401, MONDO:0017290.

Allele frequency attached by ClinVar (database versions not stated): ESP Exome Variant Server 0.45460; TOPMed 0.45708; gnomAD 0.46166 and 0.46971; 1000 Genomes Project 30x 0.48673; 1000 Genomes Project 0.49681; gnomAD exomes 0.54087 and 0.55452; ExAC 0.55570.
gnomAD v4.1: 861,875 of 1,612,724 alleles (53%); highest among the groups gnomAD compares: South Asian, 66%; 234,722 homozygotes.

Submissions (14):

Genomenon, Inc
Classification: Benign for Familial intrahepatic cholestasis. Last evaluated: 2026-04-14. Review status: criteria provided, single submitter. Criteria: Genomenon Sequence Variant Interpretation Standards - Updated. Collection method: curation. Allele origin: germline. Affected: no.
Comment: ABCB11 c.3084A>G is a synonymous variant that retains Alanine at residue 1028. This variant is present at high allele frequency in population databases. In conclusion, we classify ABCB11 p.Ala1028= (c.3084A>G) as a benign variant.

Labcorp Genetics (formerly Invitae), Labcorp
Classification: Benign. Last evaluated: 2026-02-04. Review status: criteria provided, single submitter. Criteria: Invitae Variant Classification Sherloc (09022015). Collection method: clinical testing. Allele origin: germline.

Blueprint Genetics
Classification: Benign. Last evaluated: 2024-11-26. Review status: criteria provided, single submitter. Criteria: ACMG Guidelines, 2015. Collection method: clinical testing. Allele origin: germline.

Genome-Nilou Lab
Classification: Benign for Progressive familial intrahepatic cholestasis type 2. Last evaluated: 2021-07-10. Review status: criteria provided, single submitter. Criteria: ACMG Guidelines, 2015. Collection method: clinical testing. Allele origin: germline. Affected: no.

Genome-Nilou Lab
Classification: Benign for Benign recurrent intrahepatic cholestasis type 2. Last evaluated: 2021-07-10. Review status: criteria provided, single submitter. Criteria: ACMG Guidelines, 2015. Collection method: clinical testing. Allele origin: germline. Affected: no.

Mayo Clinic Laboratories, Mayo Clinic
Classification: Benign. Last evaluated: 2021-04-22. Review status: criteria provided, single submitter. Criteria: ACMG Guidelines, 2015. Collection method: clinical testing. Allele origin: germline. Observed: 389 variant alleles.

Illumina Laboratory Services, Illumina
Classification: Benign for Progressive familial intrahepatic cholestasis type 2. Last evaluated: 2018-03-06. Review status: criteria provided, single submitter. Criteria: ICSL Variant Classification Criteria 13 December 2019. Collection method: clinical testing. Allele origin: germline.
Comment: This variant was observed in the ICSL laboratory as part of a predisposition screen in an ostensibly healthy population. It had not been previously curated by ICSL or reported in the Human Gene Mutation Database (HGMD: prior to June 1st, 2018), and was therefore a candidate for classification through an automated scoring system. Utilizing variant allele frequency, disease prevalence and penetrance estimates, and inheritance mode, an automated score was calculated to assess if this variant is too frequent to cause the disease. Based on the score and internal cut-off values, a variant classified as benign is not then subjected to further curation. The score for this variant resulted in a classification of benign for this disease.

Eurofins Ntd Llc (ga)
Classification: Benign. Last evaluated: 2016-07-13. Review status: criteria provided, single submitter. Criteria: EGL Classification Definitions 2015. Collection method: clinical testing. Allele origin: germline. Observed: 1 variant allele, 1 heterozygote.

GeneDx
Classification: Benign. Last evaluated: 2016-01-05. Review status: criteria provided, single submitter. Criteria: GeneDx Variant Classification (06012015). Collection method: clinical testing. Allele origin: germline. Affected: yes.
Comment: This variant is considered likely benign or benign based on one or more of the following criteria: it is a conservative change, it occurs at a poorly conserved position in the protein, it is predicted to be benign by multiple in silico algorithms, and/or has population frequency not consistent with disease.

Breakthrough Genomics
Classification: Benign. Review status: criteria provided, single submitter. Criteria: ACMG Guidelines, 2015. Collection method: not provided. Allele origin: germline. Inheritance: Autosomal recessive inheritance. Affected: yes.

PreventionGenetics, part of Exact Sciences
Classification: Benign. Review status: criteria provided, single submitter. Criteria: ACMG Guidelines, 2015. Collection method: clinical testing. Allele origin: germline.

Natera, Inc.
Classification: Benign for Progressive familial intrahepatic cholestasis type 2. Last evaluated: 2020-09-16. Review status: no assertion criteria provided. Collection method: clinical testing. Allele origin: germline. Not counted in ClinVar's aggregate classification.

Diagnostic Laboratory, Department of Genetics, University Medical Center Groningen
Classification: Benign. Review status: no assertion criteria provided. Collection method: clinical testing. Allele origin: germline. Affected: yes. Study: VKGL Data-share Consensus. Not counted in ClinVar's aggregate classification.

Joint Genome Diagnostic Labs from Nijmegen and Maastricht, Radboudumc and MUMC+
Classification: Benign. Review status: no assertion criteria provided. Collection method: clinical testing. Allele origin: germline. Affected: yes. Study: VKGL Data-share Consensus. Not counted in ClinVar's aggregate classification.